The following is an entry in ClinVar:

ClinVar aggregate classification (germline): Uncertain significance (1 of 4 stars; one submission).

Conditions:
COG5-congenital disorder of glycosylation. Also called: CONGENITAL DISORDER OF GLYCOSYLATION, TYPE IIi; CDG IIi; COG5-CDG. Identifiers: Orphanet 263487, MedGen C3150876, MONDO:0013325, OMIM 613612.

Allele frequency attached by ClinVar (database versions not stated): gnomAD exomes below 0.00001.
gnomAD v4.1: 4 of 1,613,410 alleles (0.00025%); highest among the groups gnomAD compares: African/African-American, 0.0027%; no homozygotes.

Submission:

Labcorp Genetics (formerly Invitae), Labcorp
Classification: Uncertain significance for COG5-congenital disorder of glycosylation. Last evaluated: 2021-08-18. Review status: criteria provided, single submitter. Criteria: Invitae Variant Classification Sherloc (09022015). Collection method: clinical testing. Allele origin: germline.
Comment: This sequence change replaces alanine with threonine at codon 28 of the COG5 protein (p.Ala28Thr). The alanine residue is weakly conserved and there is a small physicochemical difference between alanine and threonine. This variant is not present in population databases (ExAC no frequency). This variant has not been reported in the literature in individuals affected with COG5-related conditions. Algorithms developed to predict the effect of missense changes on protein structure and function (SIFT, PolyPhen-2, Align-GVGD) all suggest that this variant is likely to be tolerated. In summary, the available evidence is currently insufficient to determine the role of this variant in disease. Therefore, it has been classified as a Variant of Uncertain Significance.

NM_006348.5(COG5):c.-12G>A

Gene: COG5 (component of oligomeric golgi complex 5; minus strand). Cytogenetic location: 7q22.3.
Variant type: single nucleotide variant.
Coding change: c.-12G>A on transcript NM_006348.5 (MANE Select); 12 bases upstream of the start codon, G replaced by A.
Molecular consequence: 5 prime UTR variant.
Genome position (GRCh38, 1-based): chr7:107,563,908, C>T on the plus strand (G>A on the coding strand, the complement: COG5 is on the minus strand). VCF-style: chr7-107563908-C-T. GRCh37 (hg19) VCF-style: chr7-107204353-C-T.
Other names: c.-12G>A (NM_001161520.2, NM_001379511.1, NM_001379512.1 and 5 more transcripts).
Identifiers: ClinVar variation 1376041 (VCV001376041.6), dbSNP rs1363800282, ClinGen allele CA368826662.